The following is an entry in ClinVar:

ClinVar aggregate classification (germline): Uncertain significance (0 of 4 stars; one submission).

Conditions:
MYLK-related disorder. Also called: MYLK-related condition.

Submission:

PreventionGenetics, part of Exact Sciences
Classification: Uncertain significance for MYLK-related condition. Last evaluated: 2023-12-01. Review status: no assertion criteria provided. Collection method: clinical testing. Allele origin: germline.
Comment: The MYLK c.1267C>T variant is predicted to result in premature protein termination (p.Gln423*). To our knowledge, this variant has not been reported in the literature or in a large population database, indicating this variant is rare. MYLK gene has multiple isoforms ((myosin-light-chain-kinase), including a longer isoform encoding a nonmuscle ~220 kDa protein product and a shorter isoform encoding a smooth muscle cell-specific ~130 kDa protein product (Herring et al. 2006. PubMed ID: 16774989; Wang et al. 2010. PubMed ID: 21055718). Most of the documented variants associated with thoracic aortic aneurysm and dissection are found in the ~130 kDa shorter isoform, while the p.Gln423* variant is located only in the ~220 kDa longer isoform (Wang et al. 2010. PubMed ID: 21055718; Wallace et al. 2019. PubMed ID: 29925964). Although we suspect that this variant may be pathogenic, at this time, the clinical significance of this variant is uncertain due to the absence of conclusive functional and genetic evidence.

NM_053025.4(MYLK):c.1267C>T (p.Gln423Ter)

Gene: MYLK (myosin light chain kinase; minus strand). Cytogenetic location: 3q21.1.
Variant type: single nucleotide variant.
Coding change: c.1267C>T on transcript NM_053025.4 (MANE Select); coding-DNA position 1267, C replaced by T.
Protein change: p.Gln423Ter; replaces glutamine 423 with a stop codon.
Molecular consequence: nonsense.
Genome position (GRCh38, 1-based): chr3:123,733,729, G>A on the plus strand (C>T on the coding strand, the complement: MYLK is on the minus strand). VCF-style: chr3-123733729-G-A. GRCh37 (hg19) VCF-style: chr3-123452576-G-A.
Other names: c.739C>T, p.Gln247Ter (NM_001321309.2); c.1267C>T, p.Gln423Ter (NM_053026.4, NM_053027.4, NM_053028.4); short protein forms Q247*, Q423*.
Identifiers: ClinVar variation 3030280 (VCV003030280.2), dbSNP rs2474560246, ClinGen allele CA354238859.
Genomic context (GRCh38, chr3:123,733,729, plus strand): 5'-CTAATTACCTCTACTCACCTTCACATCTGAACTTGACAGTTTGATTTTCCTTGACCTCCT[G>A]GCTTTGGGGCTTGCTCTCAAATTTGGGGAATGCTGAATCCCTCTGGCCCTCCATGGGGAT-3'